The following is an entry in ClinVar:

ClinVar aggregate classification (germline): Uncertain significance (1 of 4 stars; one submission).

Conditions:
Inborn genetic diseases. Identifiers: MedGen C0950123, MeSH D030342.

gnomAD v4.1: 1 of 1,610,912 alleles (0.000062%); highest among the groups gnomAD compares: Non-Finnish European, 0.000085%; no homozygotes.

Submission:

Ambry Genetics
Classification: Uncertain significance for Inborn genetic diseases. Last evaluated: 2025-07-21. Review status: criteria provided, single submitter. Criteria: Ambry Variant Classification Scheme 2023. Collection method: clinical testing. Allele origin: germline.
Comment: The c.12466C>T (p.R4156*) alteration, located in exon 72 (coding exon 72) of the MYCBP2 gene, consists of a C to T substitution at nucleotide position 12466. This changes the amino acid from a arginine (R) to a stop codon at amino acid position 4156. This alteration is expected to result in premature protein truncation or nonsense-mediated mRNA decay. However, loss of function of MYCBP2 has not been established as a mechanism of disease. This variant was not reported in population-based cohorts in the Genome Aggregation Database (gnomAD). Based on insufficient or conflicting evidence, the clinical significance of this alteration remains unclear.

NM_015057.5(MYCBP2):c.12466C>T (p.Arg4156Ter)

Gene: MYCBP2 (MYC binding protein 2; minus strand). Cytogenetic location: 13q22.3.
Variant type: single nucleotide variant.
Coding change: c.12466C>T on transcript NM_015057.5 (MANE Select); coding-DNA position 12466, C replaced by T.
Protein change: p.Arg4156Ter; replaces arginine 4156 with a stop codon.
Molecular consequence: nonsense.
Genome position (GRCh38, 1-based): chr13:77,066,078, G>A on the plus strand (C>T on the coding strand, the complement: MYCBP2 is on the minus strand). VCF-style: chr13-77066078-G-A. GRCh37 (hg19) VCF-style: chr13-77640213-G-A.
Other names: short protein forms R4156*.
Identifiers: ClinVar variation 4114403 (VCV004114403.1).